The following is an entry in ClinVar:

ClinVar aggregate classification (germline): Uncertain significance. Review status: criteria provided, multiple submitters, no conflicts (2 of 4 stars). 2 submissions from 2 submitters: Uncertain significance (2). Last evaluated 2024-11-18.

Allele frequency attached by ClinVar (database versions not stated): gnomAD 0.00001; TOPMed 0.00001.
gnomAD v4.1: 1 of 1,612,654 alleles (0.000062%); highest among the groups gnomAD compares: Non-Finnish European, 0.000085%; no homozygotes.

Submissions (2):

Labcorp Genetics (formerly Invitae), Labcorp
Classification: Uncertain significance. Last evaluated: 2024-11-18. Review status: criteria provided, single submitter. Criteria: Invitae Variant Classification Sherloc (09022015). Collection method: clinical testing. Allele origin: germline.
Comment: This sequence change replaces glutamic acid, which is acidic and polar, with lysine, which is basic and polar, at codon 1777 of the HMCN1 protein (p.Glu1777Lys). This variant is not present in population databases (gnomAD no frequency). This variant has not been reported in the literature in individuals affected with HMCN1-related conditions. ClinVar contains an entry for this variant (Variation ID: 2621521). An algorithm developed to predict the effect of missense changes on protein structure and function (PolyPhen-2) suggests that this variant is likely to be disruptive. In summary, the available evidence is currently insufficient to determine the role of this variant in disease. Therefore, it has been classified as a Variant of Uncertain Significance.

Ambry Genetics
Classification: Uncertain significance. Last evaluated: 2023-08-24. Review status: criteria provided, single submitter. Criteria: Ambry Variant Classification Scheme 2023. Collection method: clinical testing. Allele origin: germline.

NM_031935.3(HMCN1):c.5329G>A (p.Glu1777Lys)

Gene: HMCN1 (hemicentin 1; plus strand). Cytogenetic location: 1q31.1.
Variant type: single nucleotide variant.
Coding change: c.5329G>A on transcript NM_031935.3 (MANE Select); coding-DNA position 5329, G replaced by A.
Protein change: p.Glu1777Lys; replaces glutamic acid 1777 with lysine.
Molecular consequence: missense variant.
Genome position (GRCh38, 1-based): chr1:186,018,211, G>A. VCF-style: chr1-186018211-G-A. GRCh37 (hg19) VCF-style: chr1-185987343-G-A.
Other names: short protein forms E1777K.
Identifiers: ClinVar variation 2621521 (VCV002621521.5), dbSNP rs1020819220, ClinGen allele CA33455773.